The following is an entry in ClinVar:

ClinVar aggregate classification (germline): Uncertain significance (1 of 4 stars; one submission).

Allele frequency attached by ClinVar (database versions not stated): gnomAD exomes below 0.00001; TOPMed below 0.00001.
gnomAD v4.1: 2 of 1,542,688 alleles (0.00013%); highest among the groups gnomAD compares: Admixed American, 0.004%; no homozygotes.

Submission:

Labcorp Genetics (formerly Invitae), Labcorp
Classification: Uncertain significance. Last evaluated: 2022-03-16. Review status: criteria provided, single submitter. Criteria: Invitae Variant Classification Sherloc (09022015). Collection method: clinical testing. Allele origin: germline.
Comment: This sequence change replaces arginine, which is basic and polar, with methionine, which is neutral and non-polar, at codon 3176 of the ZNF469 protein (p.Arg3176Met). This variant is not present in population databases (gnomAD no frequency). This variant has not been reported in the literature in individuals affected with ZNF469-related conditions. Algorithms developed to predict the effect of missense changes on protein structure and function are either unavailable or do not agree on the potential impact of this missense change (SIFT: "Deleterious"; PolyPhen-2: "Benign"; Align-GVGD: "Class C0"). In summary, the available evidence is currently insufficient to determine the role of this variant in disease. Therefore, it has been classified as a Variant of Uncertain Significance.

NM_001367624.2(ZNF469):c.9611G>T (p.Arg3204Met)

Gene: ZNF469 (zinc finger protein 469; plus strand). Cytogenetic location: 16q24.2.
Variant type: single nucleotide variant.
Coding change: c.9611G>T on transcript NM_001367624.2 (MANE Select); coding-DNA position 9611, G replaced by T.
Protein change: p.Arg3204Met; replaces arginine 3204 with methionine.
Molecular consequence: missense variant.
Genome position (GRCh38, 1-based): chr16:88,437,081, G>T. VCF-style: chr16-88437081-G-T. GRCh37 (hg19) VCF-style: chr16-88503489-G-T.
Other names: short protein forms R3204M.
Identifiers: ClinVar variation 2185086 (VCV002185086.1), dbSNP rs1263302611, ClinGen allele CA397124342.